The following is an entry in ClinVar:

ClinVar aggregate classification (germline): Uncertain significance. Review status: criteria provided, multiple submitters, no conflicts (2 of 4 stars). 2 submissions from 2 submitters: Uncertain significance (2). Last evaluated 2022-02-24.

Conditions:
Familial temporal lobe epilepsy 7. Identifiers: Orphanet 101046, MedGen C4225327, MONDO:0014639, OMIM 616436.
Norman-Roberts syndrome (LIS2). Also called: Lissencephaly 2 (Norman-Roberts type). Identifiers: Orphanet 89844, MedGen C0796089, MONDO:0009760, OMIM 257320.

Allele frequency attached by ClinVar (database versions not stated): gnomAD exomes below 0.00001; TOPMed below 0.00001.
gnomAD v4.1: 1 of 1,614,132 alleles (0.000062%); highest among the groups gnomAD compares: Non-Finnish European, 0.000085%; no homozygotes.

Submissions (2):

Labcorp Genetics (formerly Invitae), Labcorp
Classification: Uncertain significance for Familial temporal lobe epilepsy 7; Norman-Roberts syndrome. Last evaluated: 2022-02-24. Review status: criteria provided, single submitter. Criteria: Invitae Variant Classification Sherloc (09022015). Collection method: clinical testing. Allele origin: germline.
Comment: This variant is not present in population databases (gnomAD no frequency). This variant has not been reported in the literature in individuals affected with RELN-related conditions. Algorithms developed to predict the effect of missense changes on protein structure and function are either unavailable or do not agree on the potential impact of this missense change (SIFT: "Deleterious"; PolyPhen-2: "Possibly Damaging"; Align-GVGD: "Class C15"). This sequence change replaces glycine, which is neutral and non-polar, with arginine, which is basic and polar, at codon 2864 of the RELN protein (p.Gly2864Arg). Algorithms developed to predict the effect of sequence changes on RNA splicing suggest that this variant may disrupt the consensus splice site. In summary, the available evidence is currently insufficient to determine the role of this variant in disease. Therefore, it has been classified as a Variant of Uncertain Significance.

GeneDx
Classification: Uncertain significance. Last evaluated: 2021-08-08. Review status: criteria provided, single submitter. Criteria: GeneDx Variant Classification Process June 2021. Collection method: clinical testing. Allele origin: germline. Affected: yes.
Comment: In silico analysis supports that this missense variant has a deleterious effect on protein structure/function; Has not been previously published as pathogenic or benign to our knowledge

NM_005045.4(RELN):c.8590G>A (p.Gly2864Arg)

Genes: SLC26A5-AS1 (SLC26A5 antisense RNA 1; plus strand), RELN (reelin; minus strand). Cytogenetic location: 7q22.1.
Variant type: single nucleotide variant.
Coding change: c.8590G>A on transcript NM_005045.4 (MANE Select); coding-DNA position 8590, G replaced by A.
Protein change: p.Gly2864Arg; replaces glycine 2864 with arginine.
Molecular consequence: missense variant.
Genome position (GRCh38, 1-based): chr7:103,500,822, C>T on the plus strand (G>A on the coding strand, the complement: RELN is on the minus strand). VCF-style: chr7-103500822-C-T. GRCh37 (hg19) VCF-style: chr7-103141269-C-T.
Other names: c.8590G>A, p.Gly2864Arg (NM_173054.3); short protein forms G2864R.
Identifiers: ClinVar variation 1341638 (VCV001341638.6), dbSNP rs1456617471, ClinGen allele CA368755543.
Genomic context (GRCh38, chr7:103,500,822, plus strand): 5'-AGTAGCAGTTTGGCCCTGAGTATCCCGGATCACAGATGCACTGTTCCCTTAAGCAATCTC[C>T]ATGGCCCCTGCAGTTGTCCAAGCATCCAGGGCCCAGGTAGAAATTATCGATTGCCCACTG-3'
Protein context (NP_005036.2, residues 2854-2874): PGCLDNCRGH[Gly2864Arg]DCLREQCICD